The following is an entry in ClinVar:

NM_004360.5(CDH1):c.2165-1G>A

Gene: CDH1 (cadherin 1; plus strand). Cytogenetic location: 16q22.1.
Variant type: single nucleotide variant.
Coding change: c.2165-1G>A on transcript NM_004360.5 (MANE Select); the canonical splice acceptor site of the intron before coding-DNA position 2165, G replaced by A.
Molecular consequence: splice acceptor variant.
Genome position (GRCh38, 1-based): chr16:68,828,173, G>A. VCF-style: chr16-68828173-G-A. GRCh37 (hg19) VCF-style: chr16-68862076-G-A.
Other names: c.617-1G>A (NM_001317185.2); c.200-1G>A (NM_001317186.2); c.1982-1G>A (NM_001317184.2); c.2165-1G>A (NM_004360.3).
Identifiers: ClinVar variation 1489871 (VCV001489871.8), dbSNP rs1385720097, ClinGen allele CA396469205.

ClinVar aggregate classification (germline): Pathogenic/Likely pathogenic. Review status: criteria provided, multiple submitters, no conflicts (2 of 4 stars). 2 submissions from 2 submitters: Pathogenic (1); Likely pathogenic (1). Last evaluated 2025-01-27.

Conditions:
Hereditary cancer-predisposing syndrome. Also called: Neoplastic Syndromes, Hereditary; Tumor predisposition; Hereditary neoplastic syndrome; Hereditary Cancer Syndrome. Identifiers: Orphanet 140162, MedGen C0027672, MeSH D009386, MONDO:0015356.
Hereditary diffuse gastric adenocarcinoma (HDGC). Also called: DIFFUSE GASTRIC AND LOBULAR BREAST CANCER SYNDROME. Identifiers: Orphanet 26106, MedGen C1708349, MONDO:0007648, OMIM 137215.

Submissions (3):

Labcorp Genetics (formerly Invitae), Labcorp
Classification: Pathogenic for Hereditary diffuse gastric adenocarcinoma. Last evaluated: 2025-01-27. Review status: criteria provided, single submitter. Criteria: Invitae Variant Classification Sherloc (09022015). Collection method: clinical testing. Allele origin: germline.
Comment: This sequence change affects an acceptor splice site in intron 13 of the CDH1 gene. RNA analysis indicates that disruption of this splice site induces altered splicing and may result in an absent or altered protein product. This variant is not present in population databases (gnomAD no frequency). Disruption of this splice site has been observed in individual(s) with hereditary diffuse gastric cancer (internal data). ClinVar contains an entry for this variant (Variation ID: 1489871). Studies have shown that disruption of this splice site results in activation of a cryptic splice site, and produces a non-functional protein and/or introduces a premature termination codon (internal data). For these reasons, this variant has been classified as Pathogenic.

Ambry Genetics
Classification: Likely pathogenic for Hereditary cancer-predisposing syndrome. Last evaluated: 2025-01-09. Review status: criteria provided, single submitter. Criteria: Ambry Variant Classification Scheme 2023. Collection method: clinical testing. Allele origin: germline.
Comment: The c.2165-1G>A intronic variant results from a G to A substitution one nucleotide upstream from coding exon 14 of the CDH1 gene. This variant was reported in individual(s) with features consistent with CDH1-related diffuse gastric cancer (Ambry internal data). This nucleotide position is highly conserved in available vertebrate species. In silico splice site analysis predicts that this alteration will weaken the native splice acceptor site and may result in the creation or strengthening of a novel splice acceptor site. RNA studies have demonstrated that this alteration results in abnormal splicing in the set of samples tested (Ambry internal data). Alterations that disrupt the canonical splice site are expected to cause aberrant splicing, resulting in an abnormal protein or a transcript that is subject to nonsense-mediated mRNA decay. As such, this alteration is classified as likely pathogenic.

Dr. Peter K. Rogan Lab, Western University
No classification provided (evidence only). Condition: Familial cancer of breast. Review status: no classification provided. Collection method: in vitro. Allele origin: not applicable. Functional consequence: retained intron. Not counted in ClinVar's aggregate classification.